The following is an entry in ClinVar:

NM_001283009.2(RTEL1):c.397C>T (p.Pro133Ser)

Genes: RTEL1 (regulator of telomere elongation helicase 1; plus strand), RTEL1-TNFRSF6B (RTEL1-TNFRSF6B readthrough (NMD candidate); plus strand). Cytogenetic location: 20q13.33.
Variant type: single nucleotide variant.
Coding change: c.397C>T on transcript NM_001283009.2 (MANE Select); coding-DNA position 397, C replaced by T.
Protein change: p.Pro133Ser; replaces proline 133 with serine.
Molecular consequence: missense variant. On other transcripts: non-coding transcript variant (1), 5 prime UTR variant (1).
Genome position (GRCh38, 1-based): chr20:63,662,547, C>T. VCF-style: chr20-63662547-C-T. GRCh37 (hg19) VCF-style: chr20-62293900-C-T.
Other names: c.-273C>T (NM_001283010.1); c.397C>T, p.Pro133Ser (NM_016434.4); c.469C>T, p.Pro157Ser (NM_032957.5); short protein forms P133S, P157S.
Identifiers: ClinVar variation 1392714 (VCV001392714.6), dbSNP rs942504504, ClinGen allele CA409669476.
Genomic context (GRCh38, chr20:63,662,547, plus strand): 5'-GCCACGCTGTGGGTGTTGGAGACAGCTCCTCCTCGACCCACGGTGCTCTCTCCCACCAGG[C>T]CTAAGGTGTGTGTGCTGGGCTCCCGGGAGCAGCTGTGCATCCATCCTGAGGTGAAGAAAC-3'
Protein context (NP_001269938.1, residues 123-143): INELRNTSYR[Pro133Ser]KVCVLGSREQ

ClinVar aggregate classification (germline): Uncertain significance (1 of 4 stars; one submission).

Conditions:
Dyskeratosis congenita, autosomal recessive 5 (DKCB5). Identifiers: MedGen C3554656, MONDO:0014076, OMIM 615190.
Pulmonary fibrosis and/or bone marrow failure, Telomere-related, 3. Also called: PULMONARY FIBROSIS AND/OR BONE MARROW FAILURE SYNDROME, TELOMERE-RELATED, 3. Identifiers: Orphanet 2032, MedGen C4225346, MONDO:0014613, OMIM 616373.

Submission:

Labcorp Genetics (formerly Invitae), Labcorp
Classification: Uncertain significance for Dyskeratosis congenita, autosomal recessive 5; Pulmonary fibrosis and/or bone marrow failure, Telomere-related, 3. Last evaluated: 2022-10-18. Review status: criteria provided, single submitter. Criteria: Invitae Variant Classification Sherloc (09022015). Collection method: clinical testing. Allele origin: germline.
Comment: This sequence change replaces proline, which is neutral and non-polar, with serine, which is neutral and polar, at codon 133 of the RTEL1 protein (p.Pro133Ser). This variant is not present in population databases (gnomAD no frequency). This variant has not been reported in the literature in individuals affected with RTEL1-related conditions. ClinVar contains an entry for this variant (Variation ID: 1392714). Algorithms developed to predict the effect of missense changes on protein structure and function are either unavailable or do not agree on the potential impact of this missense change (SIFT: "Tolerated"; PolyPhen-2: "Probably Damaging"; Align-GVGD: "Class C0"). Algorithms developed to predict the effect of sequence changes on RNA splicing suggest that this variant may disrupt the consensus splice site. In summary, the available evidence is currently insufficient to determine the role of this variant in disease. Therefore, it has been classified as a Variant of Uncertain Significance.